The following is an entry in ClinVar:

NM_001042492.3(NF1):c.3116dup (p.Asn1039fs)

Gene: NF1 (neurofibromin 1; plus strand). Cytogenetic location: 17q11.2.
Variant type: Duplication.
Coding change: c.3116dup on transcript NM_001042492.3 (MANE Select); coding-DNA position 3116, one base duplicated (A; older notation c.3116dupA).
Protein change: p.Asn1039fs; shifts the reading frame from asparagine 1039.
Molecular consequence: frameshift variant.
Genome position (GRCh38, 1-based): chr17:31,230,844, A duplicated; the last of 2 consecutive A bases (chr17:31,230,843-31,230,844); duplicating either gives the same sequence. VCF-style (leftmost placement, unchanged base first): chr17-31230842-G-GA. GRCh37 (hg19) VCF-style: chr17-29557860-G-GA.
Other names: c.3116dup, p.Asn1039fs (NM_000267.4); short protein forms N1039fs.
Identifiers: ClinVar variation 4293809 (VCV004293809.1).
Genomic context (GRCh38, chr17:31,230,842, plus strand): 5'-GGTGTGTGTGTGGCTTCAAAAACATTGTTTGCTGTTTCTCTTTTCTCCACCATTCTATAG[G>GA]AATAAGATGGTAGAATACCTGACAGACTGGGTTATGGGAACATCAAACCAAGCAGCAGAT-3'

ClinVar aggregate classification (germline): Likely pathogenic (1 of 4 stars; one submission).

Conditions:
Neurofibromatosis, type 1 (NF1). Also called: VON RECKLINGHAUSEN DISEASE; Neurofibromatosis, type I; NEUROFIBROMATOSIS, TYPE I, SOMATIC; Peripheral type neurofibromatosis. Identifiers: Orphanet 636, MedGen C0027831, MONDO:0018975, OMIM 162200. Disease mechanism: loss of function.

Submission:

3billion
Classification: Likely pathogenic for Neurofibromatosis, type 1. Last evaluated: 2024-10-31. Review status: criteria provided, single submitter. Criteria: ACMG Guidelines, 2015. Collection method: clinical testing. Allele origin: germline. Affected: yes.
Comment: The variant is not observed in the gnomAD v4.1.0 dataset. Predicted Consequence/Location: Frameshift: predicted to result in a loss or disruption of normal protein function through nonsense-mediated decay (NMD) or protein truncation. Multiple pathogenic variants are reported downstream of the variant. Therefore, this variant is classified as Likely pathogenic according to the recommendation of ACMG/AMP guideline.